The following is an entry in ClinVar:

NM_004517.4(ILK):c.679T>A (p.Trp227Arg)

Genes: ILK (integrin linked kinase; plus strand), TAF10 (TATA-box binding protein associated factor 10; minus strand). Cytogenetic location: 11p15.4.
Variant type: single nucleotide variant.
Coding change: c.679T>A on transcript NM_004517.4 (MANE Select); coding-DNA position 679, T replaced by A.
Protein change: p.Trp227Arg; replaces tryptophan 227 with arginine.
Molecular consequence: missense variant. On other transcripts: 3 prime UTR variant (1).
Genome position (GRCh38, 1-based): chr11:6,609,359, T>A. VCF-style: chr11-6609359-T-A. GRCh37 (hg19) VCF-style: chr11-6630590-T-A.
Other names: c.679T>A, p.Trp227Arg (NM_001014794.3, NM_001014795.3); c.496T>A, p.Trp166Arg (NM_001278441.2); c.277T>A, p.Trp93Arg (NM_001278442.2); c.*1563A>T (NM_006284.4); short protein forms W227R, W166R, W93R.
Identifiers: ClinVar variation 1755497 (VCV001755497.5), dbSNP rs1054278826, ClinGen allele CA379461648.

ClinVar aggregate classification (germline): Uncertain significance. Review status: criteria provided, multiple submitters, no conflicts (2 of 4 stars). 2 submissions from 2 submitters: Uncertain significance (2). Last evaluated 2023-07-28.

Conditions:
Primary familial hypertrophic cardiomyopathy (HCM). Identifiers: Orphanet 99739, MedGen C0949658, MeSH D024741, MONDO:0024573. Inheritance: Various modes of inheritance.

Submissions (2):

Labcorp Genetics (formerly Invitae), Labcorp
Classification: Uncertain significance for Primary familial hypertrophic cardiomyopathy. Last evaluated: 2023-07-28. Review status: criteria provided, single submitter. Criteria: Invitae Variant Classification Sherloc (09022015). Collection method: clinical testing. Allele origin: germline.
Comment: This sequence change replaces tryptophan, which is neutral and slightly polar, with arginine, which is basic and polar, at codon 227 of the ILK protein (p.Trp227Arg). This variant is not present in population databases (gnomAD no frequency). This variant has not been reported in the literature in individuals affected with ILK-related conditions. ClinVar contains an entry for this variant (Variation ID: 1755497). An algorithm developed to predict the effect of missense changes on protein structure and function (PolyPhen-2) suggests that this variant is likely to be disruptive. In summary, the available evidence is currently insufficient to determine the role of this variant in disease. Therefore, it has been classified as a Variant of Uncertain Significance.

Ambry Genetics
Classification: Uncertain significance. Last evaluated: 2022-07-29. Review status: criteria provided, single submitter. Criteria: Ambry Variant Classification Scheme 2023. Collection method: clinical testing. Allele origin: germline.
Comment: The p.W227R variant (also known as c.679T>A), located in coding exon 7 of the ILK gene, results from a T to A substitution at nucleotide position 679. The tryptophan at codon 227 is replaced by arginine, an amino acid with dissimilar properties. This amino acid position is conserved. In addition, the in silico prediction for this alteration is inconclusive. Since supporting evidence is limited at this time, the clinical significance of this alteration remains unclear.